The following is an entry in ClinVar:

ClinVar aggregate classification (germline): Likely benign. Review status: criteria provided, multiple submitters, no conflicts (2 of 4 stars). 2 submissions from 2 submitters: Likely benign (2). Last evaluated 2024-11-03.

gnomAD v4.1: 2 of 1,575,332 alleles (0.00013%); highest among the groups gnomAD compares: Non-Finnish European, 0.00017%; no homozygotes.

Submissions (2):

Labcorp Genetics (formerly Invitae), Labcorp
Classification: Likely benign. Last evaluated: 2024-11-03. Review status: criteria provided, single submitter. Criteria: Invitae Variant Classification Sherloc (09022015). Collection method: clinical testing. Allele origin: germline.

Women's Health and Genetics/Laboratory Corporation of America, LabCorp
Classification: Likely benign. Last evaluated: 2024-10-07. Review status: criteria provided, single submitter. Criteria: LabCorp Variant Classification Summary - May 2015. Collection method: clinical testing. Allele origin: germline.
Comment: Variant summary: RALA c.499-16T>C alters a conserved nucleotide located at a position not widely known to affect splicing. Consensus agreement among computation tools predict no significant impact on normal splicing. However, these predictions have yet to be confirmed by functional studies. The variant allele was found at a frequency of 4.4e-06 in 226946 control chromosomes. The available data on variant occurrences in the general population are insufficient to allow any conclusion about variant significance. To our knowledge, no occurrence of c.499-16T>C in individuals affected with Hiatt-Neu Neurodevelopmental Syndrome and no experimental evidence demonstrating its impact on protein function have been reported. No submitters have cited clinical-significance assessments for this variant to ClinVar. Based on the evidence outlined above, the variant was classified as likely benign.

NM_005402.4(RALA):c.499-16T>C

Gene: RALA (RAS like proto-oncogene A; plus strand). Cytogenetic location: 7p14.1.
Variant type: single nucleotide variant.
Coding change: c.499-16T>C on transcript NM_005402.4 (MANE Select); 16 bases into the intron before coding-DNA position 499, T replaced by C.
Molecular consequence: intron variant.
Genome position (GRCh38, 1-based): chr7:39,706,107, T>C. VCF-style: chr7-39706107-T-C. GRCh37 (hg19) VCF-style: chr7-39745706-T-C.
Identifiers: ClinVar variation 3384880 (VCV003384880.3).